The following is an entry in ClinVar:

ClinVar aggregate classification (germline): Uncertain significance (1 of 4 stars; one submission).

Submission:

Labcorp Genetics (formerly Invitae), Labcorp
Classification: Uncertain significance. Last evaluated: 2020-01-28. Review status: criteria provided, single submitter. Criteria: Invitae Variant Classification Sherloc (09022015). Collection method: clinical testing. Allele origin: germline.
Comment: Algorithms developed to predict the effect of missense changes on protein structure and function (SIFT, PolyPhen-2, Align-GVGD) all suggest that this variant is likely to be disruptive, but these predictions have not been confirmed by published functional studies and their clinical significance is uncertain. This sequence change replaces threonine with proline at codon 458 of the KLHL7 protein (p.Thr458Pro). The threonine residue is highly conserved and there is a small physicochemical difference between threonine and proline. This variant is not present in population databases (ExAC no frequency). This variant has not been reported in the literature in individuals with KLHL7-related conditions. In summary, the available evidence is currently insufficient to determine the role of this variant in disease. Therefore, it has been classified as a Variant of Uncertain Significance.

NM_001031710.3(KLHL7):c.1372A>C (p.Thr458Pro)

Gene: KLHL7 (kelch like family member 7; plus strand). Cytogenetic location: 7p15.3.
Variant type: single nucleotide variant.
Coding change: c.1372A>C on transcript NM_001031710.3 (MANE Select); coding-DNA position 1372, A replaced by C.
Protein change: p.Thr458Pro; replaces threonine 458 with proline.
Molecular consequence: missense variant. On other transcripts: non-coding transcript variant (1).
Genome position (GRCh38, 1-based): chr7:23,168,030, A>C. VCF-style: chr7-23168030-A-C. GRCh37 (hg19) VCF-style: chr7-23207649-A-C.
Other names: c.1228A>C, p.Thr410Pro (NM_018846.5); short protein forms T410P, T458P.
Identifiers: ClinVar variation 854008 (VCV000854008.9), dbSNP rs1785053092, ClinGen allele CA366982086.